The following is an entry in ClinVar:

ClinVar aggregate classification (germline): Uncertain significance (1 of 4 stars; one submission).

Conditions:
Kabuki syndrome 2 (KABUK2). Also called: KDM6A-Related Kabuki Syndrome. Identifiers: Orphanet 2322, MedGen C3275495, MONDO:0010465, OMIM 300867.

Submission:

Labcorp Genetics (formerly Invitae), Labcorp
Classification: Uncertain significance for Kabuki syndrome 2. Last evaluated: 2024-08-23. Review status: criteria provided, single submitter. Criteria: Invitae Variant Classification Sherloc (09022015). Collection method: clinical testing. Allele origin: germline.
Comment: This sequence change replaces leucine, which is neutral and non-polar, with methionine, which is neutral and non-polar, at codon 1127 of the KDM6A protein (p.Leu1127Met). This variant is not present in population databases (gnomAD no frequency). This variant has not been reported in the literature in individuals affected with KDM6A-related conditions. Invitae Evidence Modeling of protein sequence and biophysical properties (such as structural, functional, and spatial information, amino acid conservation, physicochemical variation, residue mobility, and thermodynamic stability) has been performed for this missense variant. However, the output from this modeling did not meet the statistical confidence thresholds required to predict the impact of this variant on KDM6A protein function. In summary, the available evidence is currently insufficient to determine the role of this variant in disease. Therefore, it has been classified as a Variant of Uncertain Significance.

NM_001291415.2(KDM6A):c.3535T>A (p.Leu1179Met)

Gene: KDM6A (lysine demethylase 6A; plus strand). Cytogenetic location: Xp11.3.
Variant type: single nucleotide variant.
Coding change: c.3535T>A on transcript NM_001291415.2 (MANE Select); coding-DNA position 3535, T replaced by A.
Protein change: p.Leu1179Met; replaces leucine 1179 with methionine.
Molecular consequence: missense variant. On other transcripts: non-coding transcript variant (1).
Genome position (GRCh38, 1-based): chrX:45,083,554, T>A. VCF-style: chrX-45083554-T-A. GRCh37 (hg19) VCF-style: chrX-44942799-T-A.
Other names: c.3400T>A, p.Leu1134Met (NM_001291416.2, NM_001419811.1); c.3244T>A, p.Leu1082Met (NM_001291417.2); c.3142T>A, p.Leu1048Met (NM_001291418.2, NM_001419815.1); c.2491T>A, p.Leu831Met (NM_001291421.2); c.3277T>A, p.Leu1093Met (NM_001410742.1, NM_001419814.1); c.3535T>A, p.Leu1179Met (NM_001419809.1); c.3433T>A, p.Leu1145Met (NM_001419810.1, NM_001419813.1); c.3379T>A, p.Leu1127Met (NM_001419812.1, NM_021140.4); short protein forms L1093M, L1134M, L831M, L1082M, L1145M, L1179M, L1048M, L1127M.
Identifiers: ClinVar variation 3690609 (VCV003690609.2).
Genomic context (GRCh38, chrX:45,083,554, plus strand): 5'-CCTGCTTTTGTGCGTGTCGTATCAGCAGGAAATCTTCTAAGCCATGTTGGTCATACCATA[T>A]TGGGCATGAACACAGTTCAACTATACATGAAAGTTCCAGGGAGCAGAACACCAGGTAATT-3'
Protein context (NP_001278344.1, residues 1169-1189): NLLSHVGHTI[Leu1179Met]GMNTVQLYMK